The following is an entry in ClinVar:

NM_001182.5(ALDH7A1):c.853A>G (p.Met285Val)

Gene: ALDH7A1 (aldehyde dehydrogenase 7 family member A1; minus strand). Cytogenetic location: 5q23.2.
Variant type: single nucleotide variant.
Coding change: c.853A>G on transcript NM_001182.5 (MANE Select); coding-DNA position 853, A replaced by G.
Protein change: p.Met285Val; replaces methionine 285 with valine.
Molecular consequence: missense variant.
Genome position (GRCh38, 1-based): chr5:126,568,277, T>C on the plus strand (A>G on the coding strand, the complement: ALDH7A1 is on the minus strand). VCF-style: chr5-126568277-T-C. GRCh37 (hg19) VCF-style: chr5-125903969-T-C.
Other names: c.769A>G, p.Met257Val (NM_001201377.2); c.853A>G, p.Met285Val (NM_001202404.2); short protein forms M257V, M285V.
Identifiers: ClinVar variation 664979 (VCV000664979.8), dbSNP rs778146305, ClinGen allele CA3389635.
Genomic context (GRCh38, chr5:126,568,277, plus strand): 5'-ATTTGAGAGAATTAAAATCCTCATTAGAAAGCCAACACTTACCAAACCTCTCCTGCACCA[T>C]CAGGCCCACCTGTTTTCCCACCTGAGTGCTCCCAGTGAAGGACAGCAGGTTCACTCGTTC-3'
Protein context (NP_001173.2, residues 275-295): STQVGKQVGL[Met285Val]VQERFGRSLL

ClinVar aggregate classification (germline): Uncertain significance (1 of 4 stars; one submission).

Conditions:
Pyridoxine-dependent epilepsy (EPEO4). Also called: Pyridoxine-Dependent Seizures; EPILEPSY, EARLY-ONSET, 4, VITAMIN B6-DEPENDENT; PYRIDOXINE DEPENDENCY WITH SEIZURES; Pyridoxine-Dependent Epilepsy - ALDH7A1. Identifiers: Orphanet 3006, MedGen C1849508, MONDO:0009945, OMIM 266100. Disease mechanism: loss of function.

Allele frequency attached by ClinVar (database versions not stated): ExAC 0.00001; gnomAD exomes below 0.00001; gnomAD 0.00001; TOPMed 0.00001.
gnomAD v4.1: 6 of 1,614,006 alleles (0.00037%); highest among the groups gnomAD compares: African/African-American, 0.0053%; no homozygotes.

Submission:

Labcorp Genetics (formerly Invitae), Labcorp
Classification: Uncertain significance for Pyridoxine-dependent epilepsy. Last evaluated: 2022-07-19. Review status: criteria provided, single submitter. Criteria: Invitae Variant Classification Sherloc (09022015). Collection method: clinical testing. Allele origin: germline.
Comment: This sequence change replaces methionine, which is neutral and non-polar, with valine, which is neutral and non-polar, at codon 285 of the ALDH7A1 protein (p.Met285Val). This variant is present in population databases (rs778146305, gnomAD 0.008%). This variant has not been reported in the literature in individuals affected with ALDH7A1-related conditions. ClinVar contains an entry for this variant (Variation ID: 664979). Advanced modeling of protein sequence and biophysical properties (such as structural, functional, and spatial information, amino acid conservation, physicochemical variation, residue mobility, and thermodynamic stability) performed at Invitae indicates that this missense variant is not expected to disrupt ALDH7A1 protein function. In summary, the available evidence is currently insufficient to determine the role of this variant in disease. Therefore, it has been classified as a Variant of Uncertain Significance.